The following is an entry in ClinVar:

NM_001330078.2(NRXN1):c.3245-3C>T

Gene: NRXN1 (neurexin 1; minus strand). Cytogenetic location: 2p16.3.
Variant type: single nucleotide variant.
Coding change: c.3245-3C>T on transcript NM_001330078.2 (MANE Select); 3 bases into the intron before coding-DNA position 3245, C replaced by T.
Molecular consequence: intron variant.
Genome position (GRCh38, 1-based): chr2:50,465,564, G>A on the plus strand (C>T on the coding strand, the complement: NRXN1 is on the minus strand). VCF-style: chr2-50465564-G-A. GRCh37 (hg19) VCF-style: chr2-50692702-G-A.
Other names: c.3134-3C>T (NM_001330096.2, NM_001330087.2); c.3179-3C>T (NM_001330083.2, NM_001330084.2); c.3164-3C>T (NM_001330088.2); c.3242-3C>T (NM_001330093.2); c.3233-3C>T (NM_001330094.2); c.3194-3C>T (NM_001330095.2); c.3221-3C>T (NM_001330082.2, NM_001330077.2); c.3218-3C>T (NM_001330085.2); and 2 more.
Identifiers: ClinVar variation 2082042 (VCV002082042.4), dbSNP rs2468584373, ClinGen allele CA2580067198.

ClinVar aggregate classification (germline): Uncertain significance (1 of 4 stars; one submission).

Conditions:
Pitt-Hopkins-like syndrome 2 (PTHSL2). Identifiers: Orphanet 221150, Orphanet 600663, MedGen C3280479, MONDO:0013690, OMIM 614325.

Submission:

Labcorp Genetics (formerly Invitae), Labcorp
Classification: Uncertain significance for Pitt-Hopkins-like syndrome 2. Last evaluated: 2022-08-10. Review status: criteria provided, single submitter. Criteria: Invitae Variant Classification Sherloc (09022015). Collection method: clinical testing. Allele origin: germline.
Comment: This variant has not been reported in the literature in individuals affected with NRXN1-related conditions. This variant is not present in population databases (gnomAD no frequency). This sequence change falls in intron 17 of the NRXN1 gene. It does not directly change the encoded amino acid sequence of the NRXN1 protein. It affects a nucleotide within the consensus splice site. Variants that disrupt the consensus splice site are a relatively common cause of aberrant splicing (PMID: 17576681, 9536098). Algorithms developed to predict the effect of sequence changes on RNA splicing suggest that this variant is not likely to affect RNA splicing. In summary, the available evidence is currently insufficient to determine the role of this variant in disease. Therefore, it has been classified as a Variant of Uncertain Significance.

Literature cited by the submitters: PubMed 17576681; PubMed 9536098.